The following is an entry in ClinVar:

ClinVar aggregate classification (germline): Uncertain significance (1 of 4 stars; one submission).

Submission:

Ambry Genetics
Classification: Uncertain significance. Last evaluated: 2022-09-28. Review status: criteria provided, single submitter. Criteria: Ambry Variant Classification Scheme 2023. Collection method: clinical testing. Allele origin: germline.
Comment: The p.S34C variant (also known as c.101C>G), located in coding exon 1 of the BUB3 gene, results from a C to G substitution at nucleotide position 101. The serine at codon 34 is replaced by cysteine, an amino acid with dissimilar properties. This amino acid position is conserved. In addition, this alteration is predicted to be deleterious by in silico analysis. Since supporting evidence is limited at this time, the clinical significance of this alteration remains unclear.

NM_004725.4(BUB3):c.101C>G (p.Ser34Cys)

Genes: BUB3 (BUB3 mitotic checkpoint protein; plus strand), LOC130004885 (ATAC-STARR-seq lymphoblastoid active region 4151; plus strand). Cytogenetic location: 10q26.13.
Variant type: single nucleotide variant.
Coding change: c.101C>G on transcript NM_004725.4 (MANE Select); coding-DNA position 101, C replaced by G.
Protein change: p.Ser34Cys; replaces serine 34 with cysteine.
Molecular consequence: missense variant.
Genome position (GRCh38, 1-based): chr10:123,155,018, C>G. VCF-style: chr10-123155018-C-G. GRCh37 (hg19) VCF-style: chr10-124914534-C-G.
Other names: c.101C>G, p.Ser34Cys (NM_001007793.3); short protein forms S34C.
Identifiers: ClinVar variation 1754667 (VCV001754667.2), dbSNP rs768452215, ClinGen allele CA378624942.